The following is an entry in ClinVar:

NM_175875.5(SIX5):c.1304C>T (p.Ala435Val)

Gene: SIX5 (SIX homeobox 5; minus strand). Cytogenetic location: 19q13.32.
Variant type: single nucleotide variant.
Coding change: c.1304C>T on transcript NM_175875.5 (MANE Select); coding-DNA position 1304, C replaced by T.
Protein change: p.Ala435Val; replaces alanine 435 with valine.
Molecular consequence: missense variant.
Genome position (GRCh38, 1-based): chr19:45,766,655, G>A on the plus strand (C>T on the coding strand, the complement: SIX5 is on the minus strand). VCF-style: chr19-45766655-G-A. GRCh37 (hg19) VCF-style: chr19-46269913-G-A.
Other names: short protein forms A435V.
Identifiers: ClinVar variation 2777441 (VCV002777441.3), dbSNP rs2513600687, ClinGen allele CA406418569.

ClinVar aggregate classification (germline): Uncertain significance (1 of 4 stars; one submission).

Allele frequency attached by ClinVar (database versions not stated): gnomAD exomes below 0.00001.
gnomAD v4.1: 6 of 1,483,112 alleles (0.0004%); highest among the groups gnomAD compares: Non-Finnish European, 0.00054%; no homozygotes.

Submission:

Labcorp Genetics (formerly Invitae), Labcorp
Classification: Uncertain significance. Last evaluated: 2023-10-17. Review status: criteria provided, single submitter. Criteria: Invitae Variant Classification Sherloc (09022015). Collection method: clinical testing. Allele origin: germline.
Comment: This sequence change replaces alanine, which is neutral and non-polar, with valine, which is neutral and non-polar, at codon 435 of the SIX5 protein (p.Ala435Val). This variant is not present in population databases (gnomAD no frequency). This variant has not been reported in the literature in individuals affected with SIX5-related conditions. Advanced modeling of protein sequence and biophysical properties (such as structural, functional, and spatial information, amino acid conservation, physicochemical variation, residue mobility, and thermodynamic stability) performed at Invitae indicates that this missense variant is not expected to disrupt SIX5 protein function. In summary, the available evidence is currently insufficient to determine the role of this variant in disease. Therefore, it has been classified as a Variant of Uncertain Significance.